The following is an entry in ClinVar:

ClinVar aggregate classification (germline): Uncertain significance (1 of 4 stars; one submission).

Conditions:
Hereditary diffuse gastric adenocarcinoma (HDGC). Also called: DIFFUSE GASTRIC AND LOBULAR BREAST CANCER SYNDROME. Identifiers: Orphanet 26106, MedGen C1708349, MONDO:0007648, OMIM 137215.

Allele frequency attached by ClinVar (database versions not stated): gnomAD 0.00003; TOPMed 0.00007; gnomAD exomes 0.00010.
gnomAD v4.1: 141 of 1,603,542 alleles (0.0088%); highest among the groups gnomAD compares: Non-Finnish European, 0.011%; no homozygotes.

Submission:

European Reference Network on Genetic Tumour Risk Syndromes (ERN-GENTURIS), i3s - Instituto de Investigação e Inovação em Saúde, University of Porto
Classification: Uncertain significance for Hereditary diffuse gastric adenocarcinoma. Last evaluated: 2022-08-01. Review status: criteria provided, single submitter. Criteria: Lee et al. (Hum Mutat. 2018). Collection method: clinical testing. Allele origin: germline. Inheritance: Autosomal dominant inheritance. Affected: no. Study: ERN GENTURIS.
Comment: Not applicable criteria (PMID: 30311375)

Literature cited by the submitters: PubMed 36436516.

NM_004360.5(CDH1):c.2165-59C>T

Gene: CDH1 (cadherin 1; plus strand). Cytogenetic location: 16q22.1.
Variant type: single nucleotide variant.
Coding change: c.2165-59C>T on transcript NM_004360.5 (MANE Select); 59 bases into the intron before coding-DNA position 2165, C replaced by T.
Molecular consequence: intron variant.
Genome position (GRCh38, 1-based): chr16:68,828,115, C>T. VCF-style: chr16-68828115-C-T. GRCh37 (hg19) VCF-style: chr16-68862018-C-T.
Other names: c.617-59C>T (NM_001317185.2); c.200-59C>T (NM_001317186.2); c.1982-59C>T (NM_001317184.2).
Identifiers: ClinVar variation 2502993 (VCV002502993.1), dbSNP rs563019987, ClinGen allele CA283314774.